The following is an entry in ClinVar:

ClinVar aggregate classification (germline): Uncertain significance (1 of 4 stars; one submission).

Conditions:
Hereditary cancer-predisposing syndrome. Also called: Tumor predisposition; Neoplastic Syndromes, Hereditary; Hereditary Cancer Syndrome; Hereditary neoplastic syndrome. Identifiers: Orphanet 140162, MedGen C0027672, MeSH D009386, MONDO:0015356.

Submission:

Ambry Genetics
Classification: Uncertain significance for Hereditary cancer-predisposing syndrome. Last evaluated: 2025-03-08. Review status: criteria provided, single submitter. Criteria: Ambry Variant Classification Scheme 2023. Collection method: clinical testing. Allele origin: germline.
Comment: The p.L310F variant (also known as c.930G>C), located in coding exon 9 of the MITF gene, results from a G to C substitution at nucleotide position 930. The leucine at codon 310 is replaced by phenylalanine, an amino acid with highly similar properties. This amino acid position is conserved. In addition, the in silico prediction for this alteration is inconclusive. Based on the available evidence, the clinical significance of this variant remains unclear.

NM_001354604.2(MITF):c.1251G>C (p.Leu417Phe)

Gene: MITF (melanocyte inducing transcription factor; plus strand). Cytogenetic location: 3p13.
Variant type: single nucleotide variant.
Coding change: c.1251G>C on transcript NM_001354604.2 (MANE Select); coding-DNA position 1251, G replaced by C.
Protein change: p.Leu417Phe; replaces leucine 417 with phenylalanine.
Molecular consequence: missense variant.
Genome position (GRCh38, 1-based): chr3:69,964,918, G>C. VCF-style: chr3-69964918-G-C. GRCh37 (hg19) VCF-style: chr3-70014069-G-C.
Other names: c.1077G>C, p.Leu359Phe (NM_001184967.2, NM_001354608.2); c.1248G>C, p.Leu416Phe (NM_001354605.2); c.930G>C, p.Leu310Phe (NM_000248.4); c.1230G>C, p.Leu410Phe (NM_001354606.2, NM_006722.3); c.1182G>C, p.Leu394Phe (NM_001354607.2); c.912G>C, p.Leu304Phe (NM_198158.3); c.1233G>C, p.Leu411Phe (NM_198159.3); c.1185G>C, p.Leu395Phe (NM_198177.3); and 1 more; short protein forms L359F, L395F, L410F, L304F, L394F, L411F, L416F, L417F.
Identifiers: ClinVar variation 3873263 (VCV003873263.1).